The following is an entry in ClinVar:

NM_020693.4(DSCAML1):c.2183-20T>C

Gene: DSCAML1 (DS cell adhesion molecule like 1; minus strand). Cytogenetic location: 11q23.3.
Variant type: single nucleotide variant.
Coding change: c.2183-20T>C on transcript NM_020693.4 (MANE Select); 20 bases into the intron before coding-DNA position 2183, T replaced by C.
Molecular consequence: intron variant.
Genome position (GRCh38, 1-based): chr11:117,504,041, A>G on the plus strand (T>C on the coding strand, the complement: DSCAML1 is on the minus strand). VCF-style: chr11-117504041-A-G. GRCh37 (hg19) VCF-style: chr11-117374756-A-G.
Other names: c.2183-20T>C (NM_001367904.1).
Identifiers: ClinVar variation 2131399 (VCV002131399.4), dbSNP rs2543227809, ClinGen allele CA2580083509.

ClinVar aggregate classification (germline): Uncertain significance (1 of 4 stars; one submission).

Submission:

Labcorp Genetics (formerly Invitae), Labcorp
Classification: Uncertain significance. Last evaluated: 2022-04-28. Review status: criteria provided, single submitter. Criteria: Invitae Variant Classification Sherloc (09022015). Collection method: clinical testing. Allele origin: germline.
Comment: In summary, the available evidence is currently insufficient to determine the role of this variant in disease. Therefore, it has been classified as a Variant of Uncertain Significance. Algorithms developed to predict the effect of sequence changes on RNA splicing suggest that this variant may create or strengthen a splice site. This variant has not been reported in the literature in individuals affected with DSCAML1-related conditions. This variant is not present in population databases (gnomAD no frequency). This sequence change falls in intron 10 of the DSCAML1 gene. It does not directly change the encoded amino acid sequence of the DSCAML1 protein.